The following is an entry in ClinVar:

NM_206933.4(USH2A):c.14923del (p.Ser4975fs)

Gene: USH2A (usherin; minus strand). Cytogenetic location: 1q41.
Variant type: Deletion.
Coding change: c.14923del on transcript NM_206933.4 (MANE Select); coding-DNA position 14923, one base deleted (A; older notation c.14923delA).
Protein change: p.Ser4975fs; shifts the reading frame from serine 4975.
Molecular consequence: frameshift variant.
Genome position (GRCh38, 1-based): chr1:215,640,603, T deleted on the plus strand (A on the coding strand, the reverse complement: USH2A is on the minus strand). VCF-style (leftmost placement, unchanged base first): chr1-215640602-CT-C. GRCh37 (hg19) VCF-style: chr1-215813944-CT-C.
Other names: short protein forms S4975fs.
Identifiers: ClinVar variation 3662448 (VCV003662448.2).
Genomic context (GRCh38, chr1:215,640,602, plus strand): 5'-GGAGTCAGAAACTAACTTTTGTCCGCCGTTCTCGGTATGTAGAGGGTGGTGTCCAAGCCG[CT>C]GTACACGCGTCGCCCTCCGTCGGTTAACACGTACTCCTTCAGTTGGCCGTTCAGGAGGAA-3'

ClinVar aggregate classification (germline): Pathogenic (1 of 4 stars; one submission).

Submission:

Labcorp Genetics (formerly Invitae), Labcorp
Classification: Pathogenic. Last evaluated: 2024-08-14. Review status: criteria provided, single submitter. Criteria: Invitae Variant Classification Sherloc (09022015). Collection method: clinical testing. Allele origin: germline.
Comment: This sequence change creates a premature translational stop signal (p.Ser4975Alafs*34) in the USH2A gene. It is expected to result in an absent or disrupted protein product. Loss-of-function variants in USH2A are known to be pathogenic (PMID: 10729113, 10909849, 20507924, 25649381). This variant is not present in population databases (gnomAD no frequency). This variant has not been reported in the literature in individuals affected with USH2A-related conditions. For these reasons, this variant has been classified as Pathogenic.

Literature cited by the submitters: PubMed 10729113; PubMed 10909849; PubMed 20507924; PubMed 25649381.